The following is an entry in ClinVar:

ClinVar aggregate classification (germline): Uncertain significance. Review status: criteria provided, multiple submitters, no conflicts (2 of 4 stars). 3 submissions from 3 submitters: Uncertain significance (3). Last evaluated 2025-09-22.

Conditions:
Cardiovascular phenotype. Identifiers: MedGen CN230736.

Allele frequency attached by ClinVar (database versions not stated): TOPMed 0.00001; gnomAD exomes 0.00001; gnomAD 0.00001.
gnomAD v4.1: 5 of 1,550,314 alleles (0.00032%); highest among the groups gnomAD compares: Non-Finnish European, 0.00044%; no homozygotes.

Submissions (3):

Mayo Clinic Laboratories, Mayo Clinic
Classification: Uncertain significance. Last evaluated: 2025-09-22. Review status: criteria provided, single submitter. Criteria: ACMG Guidelines, 2015. Collection method: clinical testing. Allele origin: germline. Observed: 2 variant alleles.
Comment: BP4_moderate

Women's Health and Genetics/Laboratory Corporation of America, LabCorp
Classification: Uncertain significance. Last evaluated: 2025-01-03. Review status: criteria provided, single submitter. Criteria: LabCorp Variant Classification Summary - May 2015. Collection method: clinical testing. Allele origin: germline.
Comment: Variant summary: ZNF469 c.4096G>A (p.Val1366Ile) results in a conservative amino acid change in the encoded protein sequence. Three of four in-silico tools predict a benign effect of the variant on protein function. The variant was absent in 153748 control chromosomes. The available data on variant occurrences in the general population are insufficient to allow any conclusion about variant significance. To our knowledge, no occurrence of c.4096G>A in individuals affected with Brittle cornea syndrome 1 and no experimental evidence demonstrating its impact on protein function have been reported. ClinVar contains an entry for this variant (Variation ID: 1737030). Based on the evidence outlined above, the variant was classified as uncertain significance.

Ambry Genetics
Classification: Uncertain significance for Cardiovascular phenotype. Last evaluated: 2024-03-07. Review status: criteria provided, single submitter. Criteria: Ambry Variant Classification Scheme 2023. Collection method: clinical testing. Allele origin: germline.

NM_001367624.2(ZNF469):c.4096G>A (p.Val1366Ile)

Gene: ZNF469 (zinc finger protein 469; plus strand). Cytogenetic location: 16q24.2.
Variant type: single nucleotide variant.
Coding change: c.4096G>A on transcript NM_001367624.2 (MANE Select); coding-DNA position 4096, G replaced by A.
Protein change: p.Val1366Ile; replaces valine 1366 with isoleucine.
Molecular consequence: missense variant.
Genome position (GRCh38, 1-based): chr16:88,431,566, G>A. VCF-style: chr16-88431566-G-A. GRCh37 (hg19) VCF-style: chr16-88497974-G-A.
Other names: NM_001127464.1:c.4012G>A; p.Val1366Ile; short protein forms V1366I.
Identifiers: ClinVar variation 1737030 (VCV001737030.6), dbSNP rs1032872457, ClinGen allele CA286375614.